The following is an entry in ClinVar:

ClinVar aggregate classification (germline): Uncertain significance (1 of 4 stars; one submission).

Allele frequency attached by ClinVar (database versions not stated): TOPMed below 0.00001; gnomAD 0.00001.
gnomAD v4.1: 5 of 1,551,514 alleles (0.00032%); highest among the groups gnomAD compares: Admixed American, 0.0039%; no homozygotes.

Submission:

GeneDx
Classification: Uncertain significance. Last evaluated: 2022-09-26. Review status: criteria provided, single submitter. Criteria: GeneDx Variant Classification Process June 2021. Collection method: clinical testing. Allele origin: germline. Affected: yes.
Comment: Not observed at significant frequency in large population cohorts (gnomAD); In silico analysis supports that this missense variant does not alter protein structure/function; Has not been previously published as pathogenic or benign to our knowledge

NM_001371986.1(UNC80):c.1217G>C (p.Cys406Ser)

Gene: UNC80 (unc-80 homolog, NALCN channel complex subunit; plus strand). Cytogenetic location: 2q34.
Variant type: single nucleotide variant.
Coding change: c.1217G>C on transcript NM_001371986.1 (MANE Select); coding-DNA position 1217, G replaced by C.
Protein change: p.Cys406Ser; replaces cysteine 406 with serine.
Molecular consequence: missense variant.
Genome position (GRCh38, 1-based): chr2:209,815,273, G>C. VCF-style: chr2-209815273-G-C. GRCh37 (hg19) VCF-style: chr2-210679997-G-C.
Other names: c.1217G>C, p.Cys406Ser (NM_032504.2, NM_182587.4); short protein forms C406S.
Identifiers: ClinVar variation 2446190 (VCV002446190.1), dbSNP rs1459931597, ClinGen allele CA350134106.